The following is an entry in ClinVar:

NM_177973.2(SULT2B1):c.802C>T (p.Arg268Cys)

Gene: SULT2B1 (sulfotransferase family 2B member 1; plus strand). Cytogenetic location: 19q13.33.
Variant type: single nucleotide variant.
Coding change: c.802C>T on transcript NM_177973.2 (MANE Select); coding-DNA position 802, C replaced by T.
Protein change: p.Arg268Cys; replaces arginine 268 with cysteine.
Molecular consequence: missense variant.
Genome position (GRCh38, 1-based): chr19:48,596,895, C>T. VCF-style: chr19-48596895-C-T. GRCh37 (hg19) VCF-style: chr19-49100152-C-T.
Other names: c.757C>T, p.Arg253Cys (NM_004605.2); c.802C>T (NM_177973.1); short protein forms R253C, R268C.
Identifiers: ClinVar variation 2146948 (VCV002146948.4), dbSNP rs202103681, ClinGen allele CA9553219.

ClinVar aggregate classification (germline): Uncertain significance. Review status: criteria provided, multiple submitters, no conflicts (2 of 4 stars). 2 submissions from 2 submitters: Uncertain significance (2). Last evaluated 2024-05-15.

Conditions:
Inborn genetic diseases. Identifiers: MedGen C0950123, MeSH D030342.

Allele frequency attached by ClinVar (database versions not stated): TOPMed 0.00006; gnomAD exomes 0.00011; gnomAD 0.00014; ExAC 0.00034.

Submissions (2):

Labcorp Genetics (formerly Invitae), Labcorp
Classification: Uncertain significance. Last evaluated: 2024-05-15. Review status: criteria provided, single submitter. Criteria: Invitae Variant Classification Sherloc (09022015). Collection method: clinical testing. Allele origin: germline.
Comment: This sequence change replaces arginine, which is basic and polar, with cysteine, which is neutral and slightly polar, at codon 268 of the SULT2B1 protein (p.Arg268Cys). This variant is present in population databases (rs202103681, gnomAD 0.1%). This variant has not been reported in the literature in individuals affected with SULT2B1-related conditions. ClinVar contains an entry for this variant (Variation ID: 2146948). Advanced modeling of protein sequence and biophysical properties (such as structural, functional, and spatial information, amino acid conservation, physicochemical variation, residue mobility, and thermodynamic stability) performed at Invitae indicates that this missense variant is not expected to disrupt SULT2B1 protein function with a negative predictive value of 80%. In summary, the available evidence is currently insufficient to determine the role of this variant in disease. Therefore, it has been classified as a Variant of Uncertain Significance.

Ambry Genetics
Classification: Uncertain significance for Inborn genetic diseases. Last evaluated: 2022-11-17. Review status: criteria provided, single submitter. Criteria: Ambry Variant Classification Scheme 2023. Collection method: clinical testing. Allele origin: germline.